The following is an entry in ClinVar:

ClinVar aggregate classification (germline): Likely benign. Review status: criteria provided, multiple submitters, no conflicts (2 of 4 stars). 3 submissions from 3 submitters: Likely benign (3). Last evaluated 2026-05-06.

Conditions:
Mowat-Wilson syndrome (MOWS). Also called: Classic Mowat-Wilson Syndrome. Identifiers: Orphanet 2152, MedGen C1856113, MONDO:0009341, OMIM 235730.
Inborn genetic diseases. Identifiers: MedGen C0950123, MeSH D030342.

Allele frequency attached by ClinVar (database versions not stated): gnomAD exomes below 0.00001; ExAC 0.00001; gnomAD 0.00003 and 0.00004; TOPMed 0.00005.
gnomAD v4.1: 10 of 1,613,836 alleles (0.00062%); highest among the groups gnomAD compares: African/African-American, 0.0094%; no homozygotes.

Submissions (3):

Women's Health and Genetics/Laboratory Corporation of America, LabCorp
Classification: Likely benign. Last evaluated: 2026-05-06. Review status: criteria provided, single submitter. Criteria: LabCorp Variant Classification Summary - May 2015. Collection method: clinical testing. Allele origin: germline.
Comment: Variant summary: ZEB2 c.3451C>A (p.Leu1151Met) results in a conservative amino acid change in the encoded protein sequence. Algorithms developed to predict the effect of missense changes on protein structure and function are either unavailable or do not agree on the potential impact of this missense change. The variant allele was found at a frequency of 1.1e-05 in 282848 control chromosomes. The available data on variant occurrences in the general population are insufficient to allow any conclusion about variant significance. To our knowledge, no occurrence of c.3451C>A in individuals affected with ZEB2-related conditions and no experimental evidence demonstrating its impact on protein function have been reported. ClinVar contains an entry for this variant (Variation ID: 466288). Based on the evidence outlined above, the variant was classified as likely benign.

Labcorp Genetics (formerly Invitae), Labcorp
Classification: Likely benign for Mowat-Wilson syndrome. Last evaluated: 2024-06-18. Review status: criteria provided, single submitter. Criteria: Invitae Variant Classification Sherloc (09022015). Collection method: clinical testing. Allele origin: germline.

Ambry Genetics
Classification: Likely benign for Inborn genetic diseases. Last evaluated: 2023-03-20. Review status: criteria provided, single submitter. Criteria: Ambry Variant Classification Scheme 2023. Collection method: clinical testing. Allele origin: germline.

NM_014795.4(ZEB2):c.3451C>A (p.Leu1151Met)

Gene: ZEB2 (zinc finger E-box binding homeobox 2; minus strand). Cytogenetic location: 2q22.3.
Variant type: single nucleotide variant.
Coding change: c.3451C>A on transcript NM_014795.4 (MANE Select); coding-DNA position 3451, C replaced by A.
Protein change: p.Leu1151Met; replaces leucine 1151 with methionine.
Molecular consequence: missense variant.
Genome position (GRCh38, 1-based): chr2:144,389,645, G>T on the plus strand (C>A on the coding strand, the complement: ZEB2 is on the minus strand). VCF-style: chr2-144389645-G-T. GRCh37 (hg19) VCF-style: chr2-145147212-G-T.
Other names: c.3379C>A, p.Leu1127Met (NM_001171653.2); short protein forms L1151M, L1127M.
Identifiers: ClinVar variation 466288 (VCV000466288.14), dbSNP rs772764893, ClinGen allele CA1898114.
Genomic context (GRCh38, chr2:144,389,645, plus strand): 5'-TTTTATTTTCACTTTCTTCCTCTTCCTCCTCGAACTCCTCGTCGCCATCCTGTCTGCCCA[G>T]CTTCCCGTAGCCATCCTCGCCTTCTTTCTCGTGCTCCTTCTCGCTCTCGCCATCCCTCGG-3'
Protein context (NP_055610.1, residues 1141-1161): EKEGEDGYGK[Leu1151Met]GRQDGDEEFE